The following is an entry in ClinVar:

NM_004655.4(AXIN2):c.952A>C (p.Ser318Arg)

Gene: AXIN2 (axin 2; minus strand). Cytogenetic location: 17q24.1.
Variant type: single nucleotide variant.
Coding change: c.952A>C on transcript NM_004655.4 (MANE Select); coding-DNA position 952, A replaced by C.
Protein change: p.Ser318Arg; replaces serine 318 with arginine.
Molecular consequence: missense variant.
Genome position (GRCh38, 1-based): chr17:65,549,524, T>G on the plus strand (A>C on the coding strand, the complement: AXIN2 is on the minus strand). VCF-style: chr17-65549524-T-G. GRCh37 (hg19) VCF-style: chr17-63545642-T-G.
Other names: c.952A>C, p.Ser318Arg (NM_001363813.1); short protein forms S318R.
Identifiers: ClinVar variation 2754187 (VCV002754187.3), dbSNP rs1555581191, ClinGen allele CA400679425.

ClinVar aggregate classification (germline): Uncertain significance (1 of 4 stars; one submission).

Conditions:
Oligodontia-cancer predisposition syndrome. Also called: TOOTH AGENESIS-COLORECTAL CANCER SYNDROME. Identifiers: Orphanet 300576, MedGen C1837750, MONDO:0012075, OMIM 608615. Disease mechanism: loss of function.

Submission:

Labcorp Genetics (formerly Invitae), Labcorp
Classification: Uncertain significance for Oligodontia-cancer predisposition syndrome. Last evaluated: 2023-08-20. Review status: criteria provided, single submitter. Criteria: Invitae Variant Classification Sherloc (09022015). Collection method: clinical testing. Allele origin: germline.
Comment: In summary, the available evidence is currently insufficient to determine the role of this variant in disease. Therefore, it has been classified as a Variant of Uncertain Significance. Advanced modeling of protein sequence and biophysical properties (such as structural, functional, and spatial information, amino acid conservation, physicochemical variation, residue mobility, and thermodynamic stability) performed at Invitae indicates that this missense variant is expected to disrupt AXIN2 protein function. This variant has not been reported in the literature in individuals affected with AXIN2-related conditions. This variant is not present in population databases (gnomAD no frequency). This sequence change replaces serine, which is neutral and polar, with arginine, which is basic and polar, at codon 318 of the AXIN2 protein (p.Ser318Arg).